The following is an entry in ClinVar:

ClinVar aggregate classification (germline): Uncertain significance (1 of 4 stars; one submission).

Allele frequency attached by ClinVar (database versions not stated): gnomAD exomes below 0.00001.
gnomAD v4.1: 2 of 1,613,636 alleles (0.00012%); highest among the groups gnomAD compares: African/African-American, 0.0013%; no homozygotes.

Submission:

Labcorp Genetics (formerly Invitae), Labcorp
Classification: Uncertain significance. Last evaluated: 2022-09-27. Review status: criteria provided, single submitter. Criteria: Invitae Variant Classification Sherloc (09022015). Collection method: clinical testing. Allele origin: germline.
Comment: This sequence change falls in intron 9 of the ITGAM gene. It does not directly change the encoded amino acid sequence of the ITGAM protein. It affects a nucleotide within the consensus splice site. This variant is not present in population databases (gnomAD no frequency). This variant has not been reported in the literature in individuals affected with ITGAM-related conditions. ClinVar contains an entry for this variant (Variation ID: 1345295). Variants that disrupt the consensus splice site are a relatively common cause of aberrant splicing (PMID: 17576681, 9536098). Algorithms developed to predict the effect of sequence changes on RNA splicing suggest that this variant may disrupt the consensus splice site. In summary, the available evidence is currently insufficient to determine the role of this variant in disease. Therefore, it has been classified as a Variant of Uncertain Significance.

Literature cited by the submitters: PubMed 17576681; PubMed 9536098.

NM_000632.4(ITGAM):c.1009+5G>C

Gene: ITGAM (integrin subunit alpha M; plus strand). Cytogenetic location: 16p11.2.
Variant type: single nucleotide variant.
Coding change: c.1009+5G>C on transcript NM_000632.4 (MANE Select); 5 bases into the intron after coding-DNA position 1009, G replaced by C.
Molecular consequence: intron variant.
Genome position (GRCh38, 1-based): chr16:31,275,704, G>C. VCF-style: chr16-31275704-G-C. GRCh37 (hg19) VCF-style: chr16-31287025-G-C.
Other names: c.1009+5G>C (NM_001145808.2).
Identifiers: ClinVar variation 1345295 (VCV001345295.6), dbSNP rs1022826719, ClinGen allele CA2573152302.